The following is an entry in ClinVar:

ClinVar aggregate classification (germline): Uncertain significance (1 of 4 stars; one submission).

gnomAD v4.1: 2 of 1,613,898 alleles (0.00012%); highest among the groups gnomAD compares: Admixed American, 0.0033%; no homozygotes.

Submission:

GeneDx
Classification: Uncertain significance. Last evaluated: 2024-04-25. Review status: criteria provided, single submitter. Criteria: GeneDx Variant Classification Process June 2021. Collection method: clinical testing. Allele origin: germline. Affected: yes.
Comment: Not observed at significant frequency in large population cohorts (gnomAD); In silico analysis supports that this missense variant has a deleterious effect on protein structure/function; Has not been previously published as pathogenic or benign to our knowledge

NM_000334.4(SCN4A):c.4654G>C (p.Asp1552His)

Genes: GH-LCR (growth hormone locus control region; plus strand), SCN4A (sodium voltage-gated channel alpha subunit 4; minus strand). Cytogenetic location: 17q23.3.
Variant type: single nucleotide variant.
Coding change: c.4654G>C on transcript NM_000334.4 (MANE Select); coding-DNA position 4654, G replaced by C.
Protein change: p.Asp1552His; replaces aspartic acid 1552 with histidine.
Molecular consequence: missense variant.
Genome position (GRCh38, 1-based): chr17:63,941,628, C>G on the plus strand (G>C on the coding strand, the complement: SCN4A is on the minus strand). VCF-style: chr17-63941628-C-G. GRCh37 (hg19) VCF-style: chr17-62018988-C-G.
Other names: short protein forms D1552H.
Identifiers: ClinVar variation 3373113 (VCV003373113.1).